The following is an entry in ClinVar:

NM_001122955.4(BSCL2):c.281A>T (p.Gln94Leu)

Genes: BSCL2 (BSCL2 lipid droplet biogenesis associated, seipin; minus strand), HNRNPUL2-BSCL2 (HNRNPUL2-BSCL2 readthrough (NMD candidate); minus strand). Cytogenetic location: 11q12.3.
Variant type: single nucleotide variant.
Coding change: c.281A>T on transcript NM_001122955.4 (MANE Select); coding-DNA position 281, A replaced by T.
Protein change: p.Gln94Leu; replaces glutamine 94 with leucine.
Molecular consequence: missense variant. On other transcripts: non-coding transcript variant (1).
Genome position (GRCh38, 1-based): chr11:62,705,424, T>A on the plus strand (A>T on the coding strand, the complement: BSCL2 is on the minus strand). VCF-style: chr11-62705424-T-A. GRCh37 (hg19) VCF-style: chr11-62472896-T-A.
Other names: c.89A>T, p.Gln30Leu (NM_001130702.2, NM_032667.6); c.281A>T, p.Gln94Leu (NM_001386027.1, NM_001386028.1); short protein forms Q30L, Q94L.
Identifiers: ClinVar variation 1344245 (VCV001344245.5), dbSNP rs2134740707, ClinGen allele CA380970669.

ClinVar aggregate classification (germline): Uncertain significance. Review status: criteria provided, multiple submitters, no conflicts (2 of 4 stars). 2 submissions from 2 submitters: Uncertain significance (2). Last evaluated 2024-02-17.

Conditions:
Charcot-Marie-Tooth disease type 2. Also called: Charcot-Marie-Tooth type 2. Identifiers: Orphanet 64746, MedGen C0270914, MONDO:0018993.
Hereditary spastic paraplegia. Also called: Familial spastic paraparesis. Identifiers: Orphanet 685, MedGen C0037773, MONDO:0019064. Disease mechanism: loss of function.

Allele frequency attached by ClinVar (database versions not stated): gnomAD exomes below 0.00001.
gnomAD v4.1: 3 of 1,614,192 alleles (0.00019%); highest among the groups gnomAD compares: Non-Finnish European, 0.00025%; no homozygotes.

Submissions (2):

Labcorp Genetics (formerly Invitae), Labcorp
Classification: Uncertain significance for Charcot-Marie-Tooth disease type 2. Last evaluated: 2024-02-17. Review status: criteria provided, single submitter. Criteria: Invitae Variant Classification Sherloc (09022015). Collection method: clinical testing. Allele origin: germline.
Comment: This sequence change replaces glutamine, which is neutral and polar, with leucine, which is neutral and non-polar, at codon 30 of the BSCL2 protein (p.Gln30Leu). This variant is not present in population databases (gnomAD no frequency). This variant has not been reported in the literature in individuals affected with BSCL2-related conditions. ClinVar contains an entry for this variant (Variation ID: 1344245). Advanced modeling of protein sequence and biophysical properties (such as structural, functional, and spatial information, amino acid conservation, physicochemical variation, residue mobility, and thermodynamic stability) performed at Invitae indicates that this missense variant is expected to disrupt BSCL2 protein function with a positive predictive value of 80%. In summary, the available evidence is currently insufficient to determine the role of this variant in disease. Therefore, it has been classified as a Variant of Uncertain Significance.

Genome Diagnostics Laboratory, The Hospital for Sick Children
Classification: Uncertain significance for Hereditary spastic paraplegia. Last evaluated: 2016-12-12. Review status: criteria provided, single submitter. Criteria: ACMG Guidelines, 2015. Collection method: clinical testing. Allele origin: germline. Affected: yes.